The following is an entry in ClinVar:

NM_004369.4(COL6A3):c.9293T>C (p.Met3098Thr)

Gene: COL6A3 (collagen type VI alpha 3 chain; minus strand). Cytogenetic location: 2q37.3.
Variant type: single nucleotide variant.
Coding change: c.9293T>C on transcript NM_004369.4 (MANE Select); coding-DNA position 9293, T replaced by C.
Protein change: p.Met3098Thr; replaces methionine 3098 with threonine.
Molecular consequence: missense variant.
Genome position (GRCh38, 1-based): chr2:237,333,485, A>G on the plus strand (T>C on the coding strand, the complement: COL6A3 is on the minus strand). VCF-style: chr2-237333485-A-G. GRCh37 (hg19) VCF-style: chr2-238242128-A-G.
Other names: c.7472T>C, p.Met2491Thr (NM_057166.5); c.8675T>C, p.Met2892Thr (NM_057167.4); short protein forms M2892T, M2491T, M3098T.
Identifiers: ClinVar variation 4766609 (VCV004766609.1).

ClinVar aggregate classification (germline): Uncertain significance (1 of 4 stars; one submission).

Conditions:
Bethlem myopathy 1A. Also called: Bethlem myopathy 1; Bethlem Muscular Dystrophy; MYOPATHY, BENIGN CONGENITAL, WITH CONTRACTURES. Identifiers: Orphanet 610, MedGen CN029274, MONDO:0024530, OMIM 158810.

gnomAD v4.1: 6 of 1,614,220 alleles (0.00037%); highest among the groups gnomAD compares: Admixed American, 0.0017%; no homozygotes.

Submission:

Labcorp Genetics (formerly Invitae), Labcorp
Classification: Uncertain significance for Bethlem myopathy 1A. Last evaluated: 2025-10-28. Review status: criteria provided, single submitter. Criteria: Invitae Variant Classification Sherloc (09022015). Collection method: clinical testing. Allele origin: germline.
Comment: This sequence change replaces methionine, which is neutral and non-polar, with threonine, which is neutral and polar, at codon 3098 of the COL6A3 protein (p.Met3098Thr). This variant is not present in population databases (gnomAD no frequency). This variant has not been reported in the literature in individuals affected with COL6A3-related conditions. Invitae Evidence Modeling of protein sequence and biophysical properties (such as structural, functional, and spatial information, amino acid conservation, physicochemical variation, residue mobility, and thermodynamic stability) indicates that this missense variant is not expected to disrupt COL6A3 protein function with a negative predictive value of 95%. In summary, the available evidence is currently insufficient to determine the role of this variant in disease. Therefore, it has been classified as a Variant of Uncertain Significance.